The following is an entry in ClinVar:

NM_006950.3(SYN1):c.1265G>A (p.Arg422Gln)

Gene: SYN1 (synapsin I; minus strand). Cytogenetic location: Xp11.3.
Variant type: single nucleotide variant.
Coding change: c.1265G>A on transcript NM_006950.3 (MANE Select); coding-DNA position 1265, G replaced by A.
Protein change: p.Arg422Gln; replaces arginine 422 with glutamine.
Molecular consequence: missense variant.
Genome position (GRCh38, 1-based): chrX:47,575,168, C>T on the plus strand (G>A on the coding strand, the complement: SYN1 is on the minus strand). VCF-style: chrX-47575168-C-T. GRCh37 (hg19) VCF-style: chrX-47434567-C-T.
Other names: c.1265G>A, p.Arg422Gln (NM_133499.2); short protein forms R422Q.
Identifiers: ClinVar variation 2008889 (VCV002008889.4), dbSNP rs2519685842, ClinGen allele CA412825370.

ClinVar aggregate classification (germline): Uncertain significance (1 of 4 stars; one submission).

Conditions:
Epilepsy, X-linked 1, with variable learning disabilities and behavior disorders. Also called: X-linked epilepsy-learning disabilities-behavior disorders syndrome. Identifiers: Orphanet 85294, MedGen C5774177, MONDO:0010339, OMIM 300491.

Allele frequency attached by ClinVar (database versions not stated): gnomAD exomes 0.00001.
gnomAD v4.1: 9 of 1,193,895 alleles (0.00075%); highest among the groups gnomAD compares: Non-Finnish European, 0.0009%; no homozygotes.

Submission:

Labcorp Genetics (formerly Invitae), Labcorp
Classification: Uncertain significance for Epilepsy, X-linked 1, with variable learning disabilities and behavior disorders. Last evaluated: 2022-06-22. Review status: criteria provided, single submitter. Criteria: Invitae Variant Classification Sherloc (09022015). Collection method: clinical testing. Allele origin: germline.
Comment: This variant has not been reported in the literature in individuals affected with SYN1-related conditions. Algorithms developed to predict the effect of missense changes on protein structure and function output the following: SIFT: "Tolerated"; PolyPhen-2: "Possibly Damaging"; Align-GVGD: "Class C0". The glutamine amino acid residue is found in multiple mammalian species, which suggests that this missense change does not adversely affect protein function. In summary, the available evidence is currently insufficient to determine the role of this variant in disease. Therefore, it has been classified as a Variant of Uncertain Significance. This sequence change replaces arginine, which is basic and polar, with glutamine, which is neutral and polar, at codon 422 of the SYN1 protein (p.Arg422Gln). This variant is not present in population databases (gnomAD no frequency).